The following is an entry in ClinVar:

ClinVar aggregate classification (germline): Uncertain significance. Review status: criteria provided, multiple submitters, no conflicts (2 of 4 stars). 2 submissions from 2 submitters: Uncertain significance (2). Last evaluated 2023-03-30.

Conditions:
Idiopathic Pulmonary Fibrosis. Also called: Idiopathic fibrosing alveolitis, chronic form; idiopathic fibrosing alveolitis. Identifiers: Orphanet 2032, MedGen C1800706, MeSH D054990, MONDO:0800504.
Dyskeratosis congenita, autosomal dominant 2. Identifiers: MedGen C3151443, MONDO:0013521, OMIM 613989.
Dyskeratosis congenita. Identifiers: Orphanet 1775, MedGen C0265965, MONDO:0015780.

Allele frequency attached by ClinVar (database versions not stated): TOPMed below 0.00001.

Submissions (2):

Labcorp Genetics (formerly Invitae), Labcorp
Classification: Uncertain significance for Dyskeratosis congenita, autosomal dominant 2; Idiopathic Pulmonary Fibrosis. Last evaluated: 2023-03-30. Review status: criteria provided, single submitter. Criteria: Invitae Variant Classification Sherloc (09022015). Collection method: clinical testing. Allele origin: germline.
Comment: This variant has not been reported in the literature in individuals affected with TERT-related conditions. This sequence change replaces leucine, which is neutral and non-polar, with valine, which is neutral and non-polar, at codon 520 of the TERT protein (p.Leu520Val). This variant is not present in population databases (gnomAD no frequency). ClinVar contains an entry for this variant (Variation ID: 1463850). Advanced modeling of protein sequence and biophysical properties (such as structural, functional, and spatial information, amino acid conservation, physicochemical variation, residue mobility, and thermodynamic stability) performed at Invitae indicates that this missense variant is expected to disrupt TERT protein function. In summary, the available evidence is currently insufficient to determine the role of this variant in disease. Therefore, it has been classified as a Variant of Uncertain Significance.

Ambry Genetics
Classification: Uncertain significance for Dyskeratosis congenita. Last evaluated: 2022-02-22. Review status: criteria provided, single submitter. Criteria: Ambry Variant Classification Scheme 2023. Collection method: clinical testing. Allele origin: germline.
Comment: The p.L520V variant (also known as c.1558C>G), located in coding exon 2 of the TERT gene, results from a C to G substitution at nucleotide position 1558. The leucine at codon 520 is replaced by valine, an amino acid with highly similar properties. This amino acid position is conserved. In addition, the in silico prediction for this alteration is inconclusive. Since supporting evidence is limited at this time, the clinical significance of this alteration remains unclear.

NM_198253.3(TERT):c.1558C>G (p.Leu520Val)

Gene: TERT (telomerase reverse transcriptase; minus strand). Cytogenetic location: 5p15.33.
Variant type: single nucleotide variant.
Coding change: c.1558C>G on transcript NM_198253.3 (MANE Select); coding-DNA position 1558, C replaced by G.
Protein change: p.Leu520Val; replaces leucine 520 with valine.
Molecular consequence: missense variant. On other transcripts: non-coding transcript variant (2).
Genome position (GRCh38, 1-based): chr5:1,293,328, G>C on the plus strand (C>G on the coding strand, the complement: TERT is on the minus strand). VCF-style: chr5-1293328-G-C. GRCh37 (hg19) VCF-style: chr5-1293443-G-C.
Other names: c.1558C>G, p.Leu520Val (NM_001193376.3); short protein forms L520V.
Identifiers: ClinVar variation 1463850 (VCV001463850.8), dbSNP rs1751110507, ClinGen allele CA359085040.